The following is an entry in ClinVar:

ClinVar aggregate classification (germline): Uncertain significance (1 of 4 stars; one submission).

Submission:

CeGaT Center for Human Genetics Tuebingen
Classification: Uncertain significance. Last evaluated: 2025-06-01. Review status: criteria provided, single submitter. Criteria: CeGaT Center For Human Genetics Tuebingen Variant Classification Criteria Version 2. Collection method: clinical testing. Allele origin: germline. Affected: yes. Observed: 1 variant allele.
Comment: PPP1R12A: PM2

NM_002480.3(PPP1R12A):c.855G>T (p.Lys285Asn)

Gene: PPP1R12A (protein phosphatase 1 regulatory subunit 12A; minus strand). Cytogenetic location: 12q21.2.
Variant type: single nucleotide variant.
Coding change: c.855G>T on transcript NM_002480.3 (MANE Select); coding-DNA position 855, G replaced by T.
Protein change: p.Lys285Asn; replaces lysine 285 with asparagine.
Molecular consequence: missense variant.
Genome position (GRCh38, 1-based): chr12:79,822,128, C>A on the plus strand (G>T on the coding strand, the complement: PPP1R12A is on the minus strand). VCF-style: chr12-79822128-C-A. GRCh37 (hg19) VCF-style: chr12-80215908-C-A.
Other names: c.855G>T, p.Lys285Asn (NM_001143885.2, NM_001244990.2, NM_001244992.1); c.594G>T, p.Lys198Asn (NM_001143886.2); short protein forms K198N, K285N.
Identifiers: ClinVar variation 4085187 (VCV004085187.8).
Genomic context (GRCh38, chr12:79,822,128, plus strand): 5'-AAATTATTAAGGTAAGTAATATAGGCAATTATTAGTCATCAAACATACCAGATTTTGTTT[C>A]TTTTGCAACTCTTCTAAATATCCTAAAATGTCTTCATCTGCTACATCAAAGGCTGTTTGG-3'
Protein context (NP_002471.1, residues 275-295): DILGYLEELQ[Lys285Asn]KQNLLHSEKR